The following is an entry in ClinVar:

NM_020693.4(DSCAML1):c.5840A>G (p.Asp1947Gly)

Gene: DSCAML1 (DS cell adhesion molecule like 1; minus strand). Cytogenetic location: 11q23.3.
Variant type: single nucleotide variant.
Coding change: c.5840A>G on transcript NM_020693.4 (MANE Select); coding-DNA position 5840, A replaced by G.
Protein change: p.Asp1947Gly; replaces aspartic acid 1947 with glycine.
Molecular consequence: missense variant.
Genome position (GRCh38, 1-based): chr11:117,428,650, T>C on the plus strand (A>G on the coding strand, the complement: DSCAML1 is on the minus strand). VCF-style: chr11-117428650-T-C. GRCh37 (hg19) VCF-style: chr11-117299366-T-C.
Other names: short protein forms D1947G.
Identifiers: ClinVar variation 1391210 (VCV001391210.6), dbSNP rs759321410, ClinGen allele CA6295959.

ClinVar aggregate classification (germline): Uncertain significance (1 of 4 stars; one submission).

Allele frequency attached by ClinVar (database versions not stated): gnomAD exomes 0.00001 and below 0.00001; ExAC 0.00001.
gnomAD v4.1: 3 of 1,611,350 alleles (0.00019%); highest among the groups gnomAD compares: Non-Finnish European, 0.00025%; no homozygotes.

Submission:

Labcorp Genetics (formerly Invitae), Labcorp
Classification: Uncertain significance. Last evaluated: 2025-07-16. Review status: criteria provided, single submitter. Criteria: Invitae Variant Classification Sherloc (09022015). Collection method: clinical testing. Allele origin: germline.
Comment: This sequence change replaces aspartic acid, which is acidic and polar, with glycine, which is neutral and non-polar, at codon 2007 of the DSCAML1 protein (p.Asp2007Gly). This variant is present in population databases (rs759321410, gnomAD 0.0009%). This variant has not been reported in the literature in individuals affected with DSCAML1-related conditions. ClinVar contains an entry for this variant (Variation ID: 1391210). An algorithm developed to predict the effect of missense changes on protein structure and function (PolyPhen-2) suggests that this variant is likely to be tolerated. In summary, the available evidence is currently insufficient to determine the role of this variant in disease. Therefore, it has been classified as a Variant of Uncertain Significance.